The following is an entry in ClinVar:

NM_005120.2(MED12):c.6273_6278dup

Gene: MED12 (mediator complex subunit 12; plus strand). Cytogenetic location: Xq13.1.
Variant type: Microsatellite.
Coding change: c.6273_6278dup on transcript NM_005120.2; coding-DNA positions 6273 to 6278, 6 bases duplicated (GCAGCA; older notation c.6273_6278dupGCAGCA).
Genome position (GRCh38, 1-based): chrX:71,141,235-71,141,240, GCAGCA duplicated; duplicating any 6 consecutive bases within chrX:71,141,228-71,141,240 gives the same sequence; the c. name uses the placement nearest the transcript's 3' end. VCF-style (leftmost placement, unchanged base first): chrX-71141227-T-TAGCAGC. GRCh37 (hg19) VCF-style: chrX-70361077-T-TAGCAGC.
Other names: c.6273_6278dup6 (NM_005120.2).
Identifiers: ClinVar variation 645411 (VCV000645411.18), dbSNP rs748394417, ClinGen allele CA10444912.

ClinVar aggregate classification (germline): Conflicting classifications of pathogenicity. Review status: criteria provided, conflicting classifications (1 of 4 stars). 4 submissions from 4 submitters: Uncertain significance (1); Likely benign (2). 1 of the submissions does not count toward it. Last evaluated 2025-12-14.

Conditions:
MED12-Related Disorders. Also called: MED12-related condition; MED12-related disorder. Identifiers: MedGen CN381102.
Familial thoracic aortic aneurysm and aortic dissection (TAAD). Also called: Thoracic aortic aneurysms and dissections. Identifiers: Orphanet 91387, MedGen C4707243, MONDO:0019625.
FG syndrome (FGS). Identifiers: MedGen C0220769, MONDO:0002010.

Submissions (4):

Labcorp Genetics (formerly Invitae), Labcorp
Classification: Uncertain significance for FG syndrome. Last evaluated: 2025-12-14. Review status: criteria provided, single submitter. Criteria: Invitae Variant Classification Sherloc (09022015). Collection method: clinical testing. Allele origin: germline.
Comment: This variant, c.6273_6278dup, results in the insertion of 2 amino acid(s) of the MED12 protein (p.Gln2114_Gln2115dup), but otherwise preserves the integrity of the reading frame. The frequency data for this variant in the population databases is considered unreliable, as metrics indicate poor data quality at this position in the gnomAD database. This variant has not been reported in the literature in individuals affected with MED12-related conditions. ClinVar contains an entry for this variant (Variation ID: 645411). Experimental studies and prediction algorithms are not available or were not evaluated, and the functional significance of this variant is currently unknown. Algorithms developed to predict the effect of sequence changes on RNA splicing suggest that this variant may disrupt the consensus splice site. In summary, the available evidence is currently insufficient to determine the role of this variant in disease. Therefore, it has been classified as a Variant of Uncertain Significance.

GeneDx
Classification: Likely benign. Last evaluated: 2022-11-29. Review status: criteria provided, single submitter. Criteria: GeneDx Variant Classification Process June 2021. Collection method: clinical testing. Allele origin: germline. Affected: yes.
Comment: See Variant Classification Assertion Criteria.

Ambry Genetics
Classification: Likely benign for Familial thoracic aortic aneurysm and aortic dissection. Last evaluated: 2020-09-23. Review status: criteria provided, single submitter. Criteria: Ambry Variant Classification Scheme 2023. Collection method: clinical testing. Allele origin: germline.

PreventionGenetics, part of Exact Sciences
Classification: Likely benign for MED12-related condition. Last evaluated: 2024-05-23. Review status: no assertion criteria provided. Collection method: clinical testing. Allele origin: germline. Not counted in ClinVar's aggregate classification.
Comment: This variant is classified as likely benign based on ACMG/AMP sequence variant interpretation guidelines (Richards et al. 2015 PMID: 25741868, with internal and published modifications).